The following is an entry in ClinVar:

ClinVar aggregate classification (germline): Conflicting classifications of pathogenicity. Review status: criteria provided, conflicting classifications (1 of 4 stars). 4 submissions from 4 submitters: Likely pathogenic (2); Uncertain significance (2). Last evaluated 2025-02-14.

Conditions:
POLR2A-related disorder. Also called: POLR2A-related condition.
Neurodevelopmental disorder with hypotonia and variable intellectual and behavioral abnormalities. Identifiers: MedGen C5231423, MONDO:0032829, OMIM 618603.

Submissions (4):

Clinical Genetics Laboratory, University Hospital Schleswig-Holstein
Classification: Likely pathogenic for Neurodevelopmental disorder with hypotonia and variable intellectual and behavioral abnormalities. Last evaluated: 2025-02-14. Review status: criteria provided, single submitter. Criteria: ACMG Guidelines, 2015. Collection method: clinical testing. Allele origin: de novo. Affected: yes. Observed: 1 heterozygote.
Comment: ACMG criteria applied: PM2, PM1_Supporting, PS2

CeGaT Center for Human Genetics Tuebingen
Classification: Uncertain significance. Last evaluated: 2023-10-01. Review status: criteria provided, single submitter. Criteria: CeGaT Center For Human Genetics Tuebingen Variant Classification Criteria Version 2. Collection method: clinical testing. Allele origin: germline. Affected: yes. Observed: 1 variant allele.
Comment: POLR2A: PM2, PP2

Provincial Medical Genetics Program of British Columbia, University of British Columbia
Classification: Uncertain significance for Neurodevelopmental disorder with hypotonia and variable intellectual and behavioral abnormalities. Last evaluated: 2022-01-01. Review status: criteria provided, single submitter. Criteria: ACMG Guidelines, 2015. Collection method: clinical testing. Allele origin: germline. Affected: yes.

Blueprint Genetics
Classification: Likely pathogenic for POLR2A-related disorders. Last evaluated: 2020-09-01. Review status: criteria provided, single submitter. Criteria: ACMG Guidelines, 2015. Collection method: clinical testing. Allele origin: germline. Affected: yes. Observed: 2 variant alleles.

NM_000937.5(POLR2A):c.3749A>G (p.Asp1250Gly)

Gene: POLR2A (RNA polymerase II subunit A; plus strand). Cytogenetic location: 17p13.1.
Variant type: single nucleotide variant.
Coding change: c.3749A>G on transcript NM_000937.5 (MANE Select); coding-DNA position 3749, A replaced by G.
Protein change: p.Asp1250Gly; replaces aspartic acid 1250 with glycine.
Molecular consequence: missense variant.
Genome position (GRCh38, 1-based): chr17:7,509,568, A>G. VCF-style: chr17-7509568-A-G. GRCh37 (hg19) VCF-style: chr17-7412887-A-G.
Other names: short protein forms D1250G.
Identifiers: ClinVar variation 1527974 (VCV001527974.27), dbSNP rs2150888014, ClinGen allele CA397814511.
Genomic context (GRCh38, chr17:7,509,568, plus strand): 5'-TCTCATGGCTCCTCACCCCACCAGGTTTTGGTGACGACTTGAACTGCATCTTTAATGATG[A>G]CAATGCAGAGAAGCTGGTGCTCCGTATTCGCATCATGAACAGCGATGAGAACAAGATGCA-3'
Protein context (NP_000928.1, residues 1240-1260): GDDLNCIFND[Asp1250Gly]NAEKLVLRIR